The following is an entry in ClinVar:

ClinVar aggregate classification (germline): Uncertain significance. Review status: criteria provided, multiple submitters, no conflicts (2 of 4 stars). 2 submissions from 2 submitters: Uncertain significance (2). Last evaluated 2025-12-30.

Conditions:
PDGFRA-related disorder. Also called: PDGFRA-related condition.
Hereditary cancer-predisposing syndrome. Also called: Neoplastic Syndromes, Hereditary; Hereditary Cancer Syndrome; Tumor predisposition; Hereditary neoplastic syndrome. Identifiers: Orphanet 140162, MedGen C0027672, MeSH D009386, MONDO:0015356.

Allele frequency attached by ClinVar (database versions not stated): gnomAD exomes below 0.00001 and 0.00001; TOPMed 0.00002; gnomAD 0.00003.
gnomAD v4.1: 21 of 1,611,072 alleles (0.0013%); highest among the groups gnomAD compares: Non-Finnish European, 0.0017%; no homozygotes.

Submissions (2):

PreventionGenetics, part of Exact Sciences
Classification: Uncertain significance for PDGFRA-related condition. Last evaluated: 2025-12-30. Review status: criteria provided, single submitter. Criteria: ACMG Guidelines, 2015. Collection method: clinical testing. Allele origin: germline.
Comment: The PDGFRA c.-4A>T variant is located in the 5' untranslated region. To our knowledge, this variant has not been reported in the literature. This variant is reported in 0.00088% of alleles in individuals of European (Non-Finnish) descent in gnomAD. This variant is interpreted as uncertain in ClinVar (Variation ID: 825355). At this time, the clinical significance of this variant is uncertain due to the absence of conclusive functional and genetic evidence.

Ambry Genetics
Classification: Uncertain significance for Hereditary cancer-predisposing syndrome. Last evaluated: 2025-07-09. Review status: criteria provided, single submitter. Criteria: Ambry Variant Classification Scheme 2023. Collection method: clinical testing. Allele origin: germline.
Comment: The c.-4A>T variant is located in the 5' untranslated region (5&rsquo; UTR) of the PDGFRA gene. This variant results from an A to T substitution 4 bases upstream from the first translated codon. This nucleotide position is not well conserved in available vertebrate species. Based on the available evidence, the clinical significance of this variant remains unclear.

NM_006206.6(PDGFRA):c.-4A>T

Gene: PDGFRA (platelet derived growth factor receptor alpha; plus strand). Cytogenetic location: 4q12.
Variant type: single nucleotide variant.
Coding change: c.-4A>T on transcript NM_006206.6 (MANE Select); 4 bases upstream of the start codon, A replaced by T.
Molecular consequence: 5 prime UTR variant. On other transcripts: missense variant (2).
Genome position (GRCh38, 1-based): chr4:54,258,765, A>T. VCF-style: chr4-54258765-A-T. GRCh37 (hg19) VCF-style: chr4-55124932-A-T.
Other names: c.-4A>T (NM_006206.5, NM_001347827.2, NM_001347829.2); c.72A>T, p.Arg24Ser (NM_001347828.2); c.36A>T, p.Arg12Ser (NM_001347830.2); short protein forms R24S, R12S.
Identifiers: ClinVar variation 825355 (VCV000825355.7), dbSNP rs1421749255, ClinGen allele CA356888025.